The following is an entry in ClinVar:

ClinVar aggregate classification (germline): Uncertain significance. Review status: criteria provided, multiple submitters, no conflicts (2 of 4 stars). 2 submissions from 2 submitters: Uncertain significance (2). Last evaluated 2025-11-13.

Conditions:
Inborn genetic diseases. Identifiers: MedGen C0950123, MeSH D030342.

Allele frequency attached by ClinVar (database versions not stated): gnomAD exomes below 0.00001; gnomAD 0.00001; ExAC 0.00001.
gnomAD v4.1: 4 of 1,613,200 alleles (0.00025%); highest among the groups gnomAD compares: Admixed American, 0.0067%; no homozygotes.

Submissions (2):

Ambry Genetics
Classification: Uncertain significance for Inborn genetic diseases. Last evaluated: 2025-11-13. Review status: criteria provided, single submitter. Criteria: Ambry Variant Classification Scheme 2023. Collection method: clinical testing. Allele origin: germline.

Labcorp Genetics (formerly Invitae), Labcorp
Classification: Uncertain significance. Last evaluated: 2021-08-28. Review status: criteria provided, single submitter. Criteria: Invitae Variant Classification Sherloc (09022015). Collection method: clinical testing. Allele origin: germline.
Comment: This sequence change replaces aspartic acid with glycine at codon 504 of the HPS5 protein (p.Asp504Gly). The aspartic acid residue is weakly conserved and there is a moderate physicochemical difference between aspartic acid and glycine. This variant is present in population databases (rs779092535, ExAC 0.009%). This variant has not been reported in the literature in individuals affected with HPS5-related conditions. Algorithms developed to predict the effect of missense changes on protein structure and function are either unavailable or do not agree on the potential impact of this missense change (SIFT: "Tolerated"; PolyPhen-2: "Possibly Damaging"; Align-GVGD: "Class C0"). In summary, the available evidence is currently insufficient to determine the role of this variant in disease. Therefore, it has been classified as a Variant of Uncertain Significance.

NM_181507.2(HPS5):c.1511A>G (p.Asp504Gly)

Gene: HPS5 (HPS5 biogenesis of lysosomal organelles complex 2 subunit 2; minus strand). Cytogenetic location: 11p15.1.
Variant type: single nucleotide variant.
Coding change: c.1511A>G on transcript NM_181507.2 (MANE Select); coding-DNA position 1511, A replaced by G.
Protein change: p.Asp504Gly; replaces aspartic acid 504 with glycine.
Molecular consequence: missense variant.
Genome position (GRCh38, 1-based): chr11:18,296,122, T>C on the plus strand (A>G on the coding strand, the complement: HPS5 is on the minus strand). VCF-style: chr11-18296122-T-C. GRCh37 (hg19) VCF-style: chr11-18317669-T-C.
Other names: c.1169A>G, p.Asp390Gly (NM_007216.4, NM_181508.2); short protein forms D390G, D504G.
Identifiers: ClinVar variation 1429374 (VCV001429374.6), dbSNP rs779092535, ClinGen allele CA5910087.